The following is an entry in ClinVar:

ClinVar aggregate classification (germline): Uncertain significance. Review status: criteria provided, multiple submitters, no conflicts (2 of 4 stars). 2 submissions from 2 submitters: Uncertain significance (2). Last evaluated 2022-03-10.

Conditions:
Spondyloepimetaphyseal dysplasia with joint laxity (SEMDJL). Identifiers: MedGen C0432243, MONDO:0019675.
Ehlers-Danlos syndrome, spondylodysplastic type, 2 (EDSSPD2). Also called: Ehlers-Danlos syndrome, progeroid type, 2. Identifiers: Orphanet 536467, Orphanet 75496, MedGen C3809210, MONDO:0014139, OMIM 615349.

Allele frequency attached by ClinVar (database versions not stated): gnomAD exomes 0.00002; TOPMed 0.00003; ExAC 0.00009.

Submissions (2):

Labcorp Genetics (formerly Invitae), Labcorp
Classification: Uncertain significance for Ehlers-Danlos syndrome, spondylodysplastic type, 2; Spondyloepimetaphyseal dysplasia with joint laxity. Last evaluated: 2022-03-10. Review status: criteria provided, single submitter. Criteria: Invitae Variant Classification Sherloc (09022015). Collection method: clinical testing. Allele origin: germline.
Comment: This sequence change replaces phenylalanine, which is neutral and non-polar, with cysteine, which is neutral and slightly polar, at codon 185 of the B3GALT6 protein (p.Phe185Cys). This variant is present in population databases (rs771306094, gnomAD 0.02%). This missense change has been observed in individual(s) with clinical features of Ehlers-Danlos syndrome (PMID: 33631843). ClinVar contains an entry for this variant (Variation ID: 1302633). Algorithms developed to predict the effect of missense changes on protein structure and function (SIFT, PolyPhen-2, Align-GVGD) all suggest that this variant is likely to be disruptive. In summary, the available evidence is currently insufficient to determine the role of this variant in disease. Therefore, it has been classified as a Variant of Uncertain Significance.

GeneDx
Classification: Uncertain significance. Last evaluated: 2019-05-22. Review status: criteria provided, single submitter. Criteria: GeneDx Variant Classification Process June 2021. Collection method: clinical testing. Allele origin: germline. Affected: yes.
Comment: Has not been previously published as pathogenic or benign to our knowledge; In silico analysis, which includes protein predictors and evolutionary conservation, supports a deleterious effect

Literature cited by the submitters: PubMed 33631843 (cited by Labcorp Genetics (formerly Invitae), Labcorp).

NM_080605.4(B3GALT6):c.554T>G (p.Phe185Cys)

Gene: B3GALT6 (beta-1,3-galactosyltransferase 6; plus strand). Cytogenetic location: 1p36.33.
Variant type: single nucleotide variant.
Coding change: c.554T>G on transcript NM_080605.4 (MANE Select); coding-DNA position 554, T replaced by G.
Protein change: p.Phe185Cys; replaces phenylalanine 185 with cysteine.
Molecular consequence: missense variant.
Genome position (GRCh38, 1-based): chr1:1,232,832, T>G. VCF-style: chr1-1232832-T-G. GRCh37 (hg19) VCF-style: chr1-1168212-T-G.
Other names: short protein forms F185C.
Identifiers: ClinVar variation 1302633 (VCV001302633.7), dbSNP rs771306094, ClinGen allele CA513381.